The following is an entry in ClinVar:

ClinVar aggregate classification (germline): Pathogenic (1 of 4 stars; one submission).

Submission:

Labcorp Genetics (formerly Invitae), Labcorp
Classification: Pathogenic. Last evaluated: 2024-01-11. Review status: criteria provided, single submitter. Criteria: Invitae Variant Classification Sherloc (09022015). Collection method: clinical testing. Allele origin: germline.
Comment: This sequence change creates a premature translational stop signal (p.Cys1393Thrfs*43) in the COL2A1 gene. While this is not anticipated to result in nonsense mediated decay, it is expected to disrupt the last 95 amino acid(s) of the COL2A1 protein. This variant is not present in population databases (gnomAD no frequency). This variant has not been reported in the literature in individuals affected with COL2A1-related conditions. This variant disrupts a region of the COL2A1 protein in which other variant(s) (p.Lys1444Asnfs*27) have been determined to be pathogenic (PMID: 23545312). This suggests that this is a clinically significant region of the protein, and that variants that disrupt it are likely to be disease-causing. For these reasons, this variant has been classified as Pathogenic.

Literature cited by the submitters: PubMed 23545312.

NM_001844.5(COL2A1):c.4175_4176dup (p.Cys1393fs)

Gene: COL2A1 (collagen type II alpha 1 chain; minus strand). Cytogenetic location: 12q13.11.
Variant type: Duplication.
Coding change: c.4175_4176dup on transcript NM_001844.5 (MANE Select); coding-DNA positions 4175 to 4176, 2 bases duplicated (AC; older notation c.4175_4176dupAC).
Protein change: p.Cys1393fs; shifts the reading frame from cysteine 1393.
Molecular consequence: frameshift variant.
Genome position (GRCh38, 1-based): chr12:47,974,230-47,974,231, GT duplicated on the plus strand (AC on the coding strand, the reverse complement: COL2A1 is on the minus strand); duplicating any 2 consecutive bases within chr12:47,974,230-47,974,232 gives the same sequence; the c. name uses the placement nearest the transcript's 3' end. VCF-style (leftmost placement, unchanged base first): chr12-47974229-A-AGT. GRCh37 (hg19) VCF-style: chr12-48368012-A-AGT.
Other names: c.3968_3969dup, p.Cys1324fs (NM_033150.3); short protein forms C1393fs, C1324fs.
Identifiers: ClinVar variation 2708808 (VCV002708808.3), dbSNP rs2540094982, ClinGen allele CA2697559172.
Genomic context (GRCh38, chr12:47,974,229, plus strand): 5'-TGAGCAGGGCCTTCTTGAGGTTGCCAGCTGCTTCGTCCAGATAGGCAATGCTGTTCTTGC[A>AGT]GTGGTAGGTGATGTTCTGGGAGCCTTCCGTGGACAGCAGGCGTAGGAAGGTCATCTGGAC-3'